The following is an entry in ClinVar:

ClinVar aggregate classification (germline): Uncertain significance (1 of 4 stars; one submission).

Conditions:
Hereditary cancer-predisposing syndrome. Also called: Neoplastic Syndromes, Hereditary; Tumor predisposition; Hereditary Cancer Syndrome; Hereditary neoplastic syndrome. Identifiers: Orphanet 140162, MedGen C0027672, MeSH D009386, MONDO:0015356.

gnomAD v4.1: 3 of 1,606,476 alleles (0.00019%); highest among the groups gnomAD compares: Admixed American, 0.0017%; no homozygotes.

Submission:

Color Diagnostics, LLC DBA Color Health
Classification: Uncertain significance for Hereditary cancer-predisposing syndrome. Last evaluated: 2023-01-23. Review status: criteria provided, single submitter. Criteria: ACMG Guidelines, 2015. Collection method: clinical testing. Allele origin: germline.
Comment: This variant causes a C to G nucleotide substitution at the -9 position in the 5' untranslated region in the BAP1 gene. To our knowledge, functional studies have not been reported for this variant. This variant has not been reported in individuals affected with BAP1-related disorders in the literature. This variant has been identified in 1/239972 chromosomes in the general population by the Genome Aggregation Database (gnomAD). The available evidence is insufficient to determine the role of this variant in disease conclusively. Therefore, this variant is classified as a Variant of Uncertain Significance.

NM_004656.4(BAP1):c.-9C>G

Gene: BAP1 (BRCA1 associated deubiquitinase 1; minus strand). Cytogenetic location: 3p21.1.
Variant type: single nucleotide variant.
Coding change: c.-9C>G on transcript NM_004656.4 (MANE Select); 9 bases upstream of the start codon, C replaced by G.
Molecular consequence: 5 prime UTR variant.
Genome position (GRCh38, 1-based): chr3:52,409,887, G>C on the plus strand (C>G on the coding strand, the complement: BAP1 is on the minus strand). VCF-style: chr3-52409887-G-C. GRCh37 (hg19) VCF-style: chr3-52443903-G-C.
Other names: c.-9C>G (NM_001410772.1).
Identifiers: ClinVar variation 2774767 (VCV002774767.2), dbSNP rs764589031, ClinGen allele CA2437266.